The following is an entry in ClinVar:

NM_000179.3(MSH6):c.3389T>A (p.Val1130Glu)

Gene: MSH6 (mutS homolog 6; plus strand). Cytogenetic location: 2p16.3.
Variant type: single nucleotide variant.
Coding change: c.3389T>A on transcript NM_000179.3 (MANE Select); coding-DNA position 3389, T replaced by A.
Protein change: p.Val1130Glu; replaces valine 1130 with glutamic acid.
Molecular consequence: missense variant.
Genome position (GRCh38, 1-based): chr2:47,803,636, T>A. VCF-style: chr2-47803636-T-A. GRCh37 (hg19) VCF-style: chr2-48030775-T-A.
Other names: c.2999T>A, p.Val1000Glu (NM_001281492.2); c.2483T>A, p.Val828Glu (NM_001281493.2, NM_001281494.2); short protein forms V1130E, V1000E, V828E.
Identifiers: ClinVar variation 939624 (VCV000939624.10), dbSNP rs1669769129, ClinGen allele CA346758842.

ClinVar aggregate classification (germline): Uncertain significance (1 of 4 stars; one submission).

Conditions:
Hereditary nonpolyposis colorectal neoplasms. Identifiers: MedGen C0009405, MeSH D003123.

Submission:

Labcorp Genetics (formerly Invitae), Labcorp
Classification: Uncertain significance for Hereditary nonpolyposis colorectal neoplasms. Last evaluated: 2024-07-01. Review status: criteria provided, single submitter. Criteria: Invitae Variant Classification Sherloc (09022015). Collection method: clinical testing. Allele origin: germline.
Comment: This sequence change replaces valine, which is neutral and non-polar, with glutamic acid, which is acidic and polar, at codon 1130 of the MSH6 protein (p.Val1130Glu). This variant is not present in population databases (gnomAD no frequency). This variant has not been reported in the literature in individuals affected with MSH6-related conditions. ClinVar contains an entry for this variant (Variation ID: 939624). Advanced modeling of protein sequence and biophysical properties (such as structural, functional, and spatial information, amino acid conservation, physicochemical variation, residue mobility, and thermodynamic stability) has been performed at Invitae for this missense variant, however the output from this modeling did not meet the statistical confidence thresholds required to predict the impact of this variant on MSH6 protein function. In summary, the available evidence is currently insufficient to determine the role of this variant in disease. Therefore, it has been classified as a Variant of Uncertain Significance.